The following is an entry in ClinVar:

ClinVar aggregate classification (germline): Pathogenic (1 of 4 stars; one submission).

Conditions:
Fanconi anemia (FA). Also called: Fanconi's anemia. Identifiers: Orphanet 84, MedGen C0015625, MeSH D005199, MONDO:0019391.

Submission:

Labcorp Genetics (formerly Invitae), Labcorp
Classification: Pathogenic for Fanconi anemia. Last evaluated: 2025-09-15. Review status: criteria provided, single submitter. Criteria: Invitae Variant Classification Sherloc (09022015). Collection method: clinical testing. Allele origin: germline.
Comment: This sequence change creates a premature translational stop signal (p.Ile765Metfs*3) in the FANCM gene. It is expected to result in an absent or disrupted protein product. Loss-of-function variants in FANCM are known to be pathogenic (PMID: 29895858, 30075111). This variant is not present in population databases (gnomAD no frequency). This variant has not been reported in the literature in individuals affected with FANCM-related conditions. For these reasons, this variant has been classified as Pathogenic.

Literature cited by the submitters: PubMed 29895858; PubMed 30075111.

NM_020937.4(FANCM):c.2295_2298del (p.Ile765fs)

Gene: FANCM (FA complementation group M; plus strand). Cytogenetic location: 14q21.2.
Variant type: Deletion.
Coding change: c.2295_2298del on transcript NM_020937.4 (MANE Select); coding-DNA positions 2295 to 2298, 4 bases deleted (AGAG; older notation c.2295_2298delAGAG).
Protein change: p.Ile765fs; shifts the reading frame from isoleucine 765.
Molecular consequence: frameshift variant.
Genome position (GRCh38, 1-based): chr14:45,173,189-45,173,192, AGAG deleted. VCF-style (leftmost placement, unchanged base first): chr14-45173188-TAGAG-T. GRCh37 (hg19) VCF-style: chr14-45642391-TAGAG-T.
Other names: c.2217_2220del, p.Ile739fs (NM_001308133.2); short protein forms I739fs, I765fs.
Identifiers: ClinVar variation 4727196 (VCV004727196.1).
Genomic context (GRCh38, chr14:45,173,188, plus strand): 5'-CTACACATCAAGTTGATCACTCAGATCGATGCCGCCATTTTATAGGCCTTATGCAAATGA[TAGAG>T]GGAATGAGACACGAAGAGGTGGGGTTTTATTGTAACTTTCTCTTGCTGGTATGATAGTAA-3'